The following is an entry in ClinVar:

ClinVar aggregate classification (germline): Likely benign. Review status: criteria provided, multiple submitters, no conflicts (2 of 4 stars). 2 submissions from 2 submitters: Likely benign (2). Last evaluated 2025-11-03.

Conditions:
Early-infantile DEE. Also called: Ohtahara syndrome; Early infantile epileptic encephalopathy; Early infantile epileptic encephalopathy with suppression bursts. Identifiers: Orphanet 1934, MedGen C0393706, MONDO:0800491.

Submissions (2):

Labcorp Genetics (formerly Invitae), Labcorp
Classification: Likely benign for Early-infantile DEE. Last evaluated: 2025-11-03. Review status: criteria provided, single submitter. Criteria: Invitae Variant Classification Sherloc (09022015). Collection method: clinical testing. Allele origin: germline.

GeneDx
Classification: Likely benign. Last evaluated: 2017-04-06. Review status: criteria provided, single submitter. Criteria: GeneDx Variant Classification (06012015). Collection method: clinical testing. Allele origin: germline. Affected: yes.
Comment: This variant is considered likely benign or benign based on one or more of the following criteria: it is a conservative change, it occurs at a poorly conserved position in the protein, it is predicted to be benign by multiple in silico algorithms, and/or has population frequency not consistent with disease.

NM_001130438.3(SPTAN1):c.1086-18_1086-17delinsAA

Gene: SPTAN1 (spectrin alpha, non-erythrocytic 1; plus strand). Cytogenetic location: 9q34.11.
Variant type: Indel.
Coding change: c.1086-18_1086-17delinsAA on transcript NM_001130438.3 (MANE Select); 18 bases into the intron before coding-DNA position 1086 through 17 bases into the intron before coding-DNA position 1086, TC replaced by AA.
Molecular consequence: intron variant.
Genome position (GRCh38, 1-based): chr9:128,578,092-128,578,093, TC replaced by AA. VCF-style: chr9-128578092-TC-AA. GRCh37 (hg19) VCF-style: chr9-131340371-TC-AA.
Other names: c.1086-18_1086-17delinsAA (NM_001363759.2, NM_003127.4, NM_001363765.2 and 1 more transcripts).
Identifiers: ClinVar variation 508666 (VCV000508666.9), dbSNP rs1554742449, ClinGen allele CA658797280.